The following is an entry in ClinVar:

ClinVar aggregate classification (germline): Uncertain significance. Review status: criteria provided, multiple submitters, no conflicts (2 of 4 stars). 4 submissions from 4 submitters: Uncertain significance (4). Last evaluated 2025-07-16.

Conditions:
Hereditary spastic paraplegia 7 (SPG7). Also called: Spastic paraplegia 7; Hereditary spastic paraplegia Paraplegin type; Autosomal recessive spastic paraplegia type 7; SPASTIC PARAPLEGIA 7, AUTOSOMAL RECESSIVE, WITH OR WITHOUT CEREBELLAR ATAXIA; SPG7-related neurologic disorder. Identifiers: Orphanet 99013, MedGen C1846564, MONDO:0011803, OMIM 607259.
Inborn genetic diseases. Identifiers: MedGen C0950123, MeSH D030342.

Allele frequency attached by ClinVar (database versions not stated): ExAC 0.00003.
gnomAD v4.1: 38 of 1,614,062 alleles (0.0024%); highest among the groups gnomAD compares: Non-Finnish European, 0.0031%; no homozygotes.

Submissions (4):

Ambry Genetics
Classification: Uncertain significance for Inborn genetic diseases. Last evaluated: 2025-07-16. Review status: criteria provided, single submitter. Criteria: Ambry Variant Classification Scheme 2023. Collection method: clinical testing. Allele origin: germline.

Dasa
Classification: Uncertain significance. Last evaluated: 2025-01-23. Review status: criteria provided, single submitter. Criteria: DASA Assertion Criteria. Collection method: clinical testing. Allele origin: germline.
Comment: NM_003119.4(SPG7):c.740G>A (p.Arg247Gln) is a missense variant that results in the substitution of arginine with glutamine. This variant is rare in population databases. The currently available literature and clinical evidence are not sufficient to establish a definitive association between this variant and the reported condition. Therefore, this variant is classified as a variant of uncertain significance.

Women's Health and Genetics/Laboratory Corporation of America, LabCorp
Classification: Uncertain significance. Last evaluated: 2023-11-21. Review status: criteria provided, single submitter. Criteria: LabCorp Variant Classification Summary - May 2015. Collection method: clinical testing. Allele origin: germline.
Comment: Variant summary: SPG7 c.740G>A (p.Arg247Gln) results in a conservative amino acid change in the encoded protein sequence. Four of five in-silico tools predict a damaging effect of the variant on protein function. The variant allele was found at a frequency of 1.6e-05 in 251496 control chromosomes. The available data on variant occurrences in the general population are insufficient to allow any conclusion about variant significance. To our knowledge, no occurrence of c.740G>A in individuals affected with Hereditary Spastic Paraplegia 7 and no experimental evidence demonstrating its impact on protein function have been reported. One submitter has cited clinical-significance assessments for this variant to ClinVar after 2014 and has classified the variant as uncertain significance. Based on the evidence outlined above, the variant was classified as uncertain significance.

Labcorp Genetics (formerly Invitae), Labcorp
Classification: Uncertain significance for Hereditary spastic paraplegia 7. Last evaluated: 2022-06-21. Review status: criteria provided, single submitter. Criteria: Invitae Variant Classification Sherloc (09022015). Collection method: clinical testing. Allele origin: germline.
Comment: Algorithms developed to predict the effect of missense changes on protein structure and function are either unavailable or do not agree on the potential impact of this missense change (SIFT: "Deleterious"; PolyPhen-2: "Possibly Damaging"; Align-GVGD: "Class C0"). In summary, the available evidence is currently insufficient to determine the role of this variant in disease. Therefore, it has been classified as a Variant of Uncertain Significance. This variant has not been reported in the literature in individuals affected with SPG7-related conditions. This variant is present in population databases (rs746209986, gnomAD 0.004%). This sequence change replaces arginine, which is basic and polar, with glutamine, which is neutral and polar, at codon 247 of the SPG7 protein (p.Arg247Gln).

NM_003119.4(SPG7):c.740G>A (p.Arg247Gln)

Gene: SPG7 (SPG7 matrix AAA peptidase subunit, paraplegin; plus strand). Cytogenetic location: 16q24.3.
Variant type: single nucleotide variant.
Coding change: c.740G>A on transcript NM_003119.4 (MANE Select); coding-DNA position 740, G replaced by A.
Protein change: p.Arg247Gln; replaces arginine 247 with glutamine.
Molecular consequence: missense variant.
Genome position (GRCh38, 1-based): chr16:89,526,450, G>A. VCF-style: chr16-89526450-G-A. GRCh37 (hg19) VCF-style: chr16-89592858-G-A.
Other names: c.740G>A, p.Arg247Gln (NM_001363850.1, NM_199367.3); c.740G>A (NM_003119.2); short protein forms R247Q.
Identifiers: ClinVar variation 2081619 (VCV002081619.8), dbSNP rs746209986, ClinGen allele CA8243747.